The following is an entry in ClinVar:

ClinVar aggregate classification (germline): Uncertain significance. Review status: criteria provided, multiple submitters, no conflicts (2 of 4 stars). 2 submissions from 2 submitters: Uncertain significance (2). Last evaluated 2026-01-15.

Conditions:
Autosomal dominant osteopetrosis 1 (OPTA1). Also called: OSTEOPETROSIS, AUTOSOMAL DOMINANT, TYPE I. Identifiers: Orphanet 2783, MedGen C1843330, MONDO:0011877, OMIM 607634.

Allele frequency attached by ClinVar (database versions not stated): gnomAD 0.00001; gnomAD exomes 0.00001; TOPMed below 0.00001.
gnomAD v4.1: 16 of 1,562,428 alleles (0.001%); highest among the groups gnomAD compares: Admixed American, 0.0037%; no homozygotes.

Submissions (2):

MVZ Martinsried, Medicover Genetics
Classification: Uncertain significance for Autosomal dominant osteopetrosis 1. Last evaluated: 2026-01-15. Review status: criteria provided, single submitter. Criteria: ACGS Guidelines, 2020. Collection method: clinical testing. Allele origin: unknown. Affected: yes. Observed: 1 heterozygote.

Labcorp Genetics (formerly Invitae), Labcorp
Classification: Uncertain significance. Last evaluated: 2025-11-04. Review status: criteria provided, single submitter. Criteria: Invitae Variant Classification Sherloc (09022015). Collection method: clinical testing. Allele origin: germline.
Comment: This sequence change replaces serine, which is neutral and polar, with leucine, which is neutral and non-polar, at codon 1486 of the LRP5 protein (p.Ser1486Leu). This variant is present in population databases (no rsID available, gnomAD 0.007%). This missense change has been observed in individual(s) with autosomal dominant LRP5-related conditions (PMID: 30452590). ClinVar contains an entry for this variant (Variation ID: 2884041). Invitae Evidence Modeling of protein sequence and biophysical properties (such as structural, functional, and spatial information, amino acid conservation, physicochemical variation, residue mobility, and thermodynamic stability) indicates that this missense variant is not expected to disrupt LRP5 protein function with a negative predictive value of 95%. In summary, the available evidence is currently insufficient to determine the role of this variant in disease. Therefore, it has been classified as a Variant of Uncertain Significance.

Literature cited by the submitters: PubMed 30452590 (cited by Labcorp Genetics (formerly Invitae), Labcorp).

NM_002335.4(LRP5):c.4457C>T (p.Ser1486Leu)

Gene: LRP5 (LDL receptor related protein 5; plus strand). Cytogenetic location: 11q13.2.
Variant type: single nucleotide variant.
Coding change: c.4457C>T on transcript NM_002335.4 (MANE Select); coding-DNA position 4457, C replaced by T.
Protein change: p.Ser1486Leu; replaces serine 1486 with leucine.
Molecular consequence: missense variant.
Genome position (GRCh38, 1-based): chr11:68,439,885, C>T. VCF-style: chr11-68439885-C-T. GRCh37 (hg19) VCF-style: chr11-68207353-C-T.
Other names: c.2714C>T, p.Ser905Leu (NM_001291902.2); short protein forms S1486L, S905L.
Identifiers: ClinVar variation 2884041 (VCV002884041.4), dbSNP rs1264640967, ClinGen allele CA381616176.